The following is an entry in ClinVar:

ClinVar aggregate classification (germline): Pathogenic/Likely pathogenic. Review status: criteria provided, multiple submitters, no conflicts (2 of 4 stars). 4 submissions from 4 submitters: Pathogenic (2); Likely pathogenic (1). 1 of the submissions does not count toward it. Last evaluated 2025-10-25.

Conditions:
Marfan syndrome (MFS). Also called: FBN1-Related Marfan Syndrome; Marfan syndrome, classic; MARFAN SYNDROME, TYPE I; Marfan syndrome type 1; Marfan's syndrome. Identifiers: Orphanet 284963, Orphanet 558, MedGen C0024796, MONDO:0007947, OMIM 154700.
Progeroid and marfanoid aspect-lipodystrophy syndrome. Also called: MARFANOID-PROGEROID-LIPODYSTROPHY SYNDROME; Marfan lipodystrophy syndrome; MARFANOID-PROGEROID SYNDROME; MARFAN-PROGEROID-LIPODYSTROPHY SYNDROME. Identifiers: Orphanet 300382, MedGen C4310796, MONDO:0014831, OMIM 616914.
MASS syndrome (OCTD). Also called: MASS PHENOTYPE; OVERLAP CONNECTIVE TISSUE DISEASE. Identifiers: MedGen C1858556, MONDO:0011431, OMIM 604308.
Geleophysic dysplasia 2 (GPHYSD2). Identifiers: Orphanet 2623, MedGen C3280054, MONDO:0013612, OMIM 614185.
Stiff skin syndrome (SSKS). Identifiers: Orphanet 2833, MedGen C1861456, MONDO:0008492, OMIM 184900.
Ectopia lentis 1, isolated, autosomal dominant (ECTOL1). Identifiers: Orphanet 1885, MedGen C3541518, MONDO:0007514, OMIM 129600.
Weill-Marchesani syndrome 2, dominant. Also called: Weill-Marchesani Syndrome, Autosomal Dominant; FBN1-Related Weill-Marchesani Syndrome. Identifiers: Orphanet 2084, MedGen C1869115, MONDO:0012013, OMIM 608328.
Acromicric dysplasia (ACMICD). Also called: Acromicric skeletal dysplasia. Identifiers: Orphanet 969, MedGen C0265287, MONDO:0007055, OMIM 102370.
Familial thoracic aortic aneurysm and aortic dissection (TAAD). Also called: Thoracic aortic aneurysms and dissections. Identifiers: Orphanet 91387, MedGen C4707243, MONDO:0019625.

Submissions (4):

Labcorp Genetics (formerly Invitae), Labcorp
Classification: Pathogenic for Marfan syndrome; Familial thoracic aortic aneurysm and aortic dissection. Last evaluated: 2025-10-25. Review status: criteria provided, single submitter. Criteria: Invitae Variant Classification Sherloc (09022015). Collection method: clinical testing. Allele origin: germline.
Comment: This sequence change replaces cysteine, which is neutral and slightly polar, with tyrosine, which is neutral and polar, at codon 1652 of the FBN1 protein (p.Cys1652Tyr). This variant is not present in population databases (gnomAD no frequency). This missense change has been observed in individuals with Marfan syndrome (PMID: 11139245, 11175294). ClinVar contains an entry for this variant (Variation ID: 42376). Invitae Evidence Modeling of protein sequence and biophysical properties (such as structural, functional, and spatial information, amino acid conservation, physicochemical variation, residue mobility, and thermodynamic stability) indicates that this missense variant is expected to disrupt FBN1 protein function with a positive predictive value of 95%. This variant affects a cysteine residue in the EGF-like, TGFBP or hybrid motif domains of FBN1. Cysteine residues are believed to be involved in intramolecular disulfide bridges and have been shown to be important for FBN1 protein structure (PMID: 16905551, 19349279). In addition, missense substitutions affecting cysteine residues within these domains are significantly overrepresented among patients with Marfan syndrome (PMID: 16571647, 17701892). For these reasons, this variant has been classified as Pathogenic.

Laboratory for Molecular Medicine, Mass General Brigham Personalized Medicine
Classification: Pathogenic for Marfan syndrome. Last evaluated: 2009-04-29. Review status: criteria provided, single submitter. Criteria: LMM Criteria. Collection method: clinical testing. Allele origin: germline. Observed: 2 variant alleles.

Juno Genomics, Hangzhou Juno Genomics, Inc
Classification: Likely pathogenic for Acromicric dysplasia; Ectopia lentis 1, isolated, autosomal dominant; Geleophysic dysplasia 2; Progeroid and marfanoid aspect-lipodystrophy syndrome; Marfan syndrome; MASS syndrome; Stiff skin syndrome; Weill-Marchesani syndrome 2, dominant. Review status: criteria provided, single submitter. Criteria: ACMG Guidelines, 2015. Collection method: clinical testing. Allele origin: germline. Affected: yes.
Comment: Absent from controls (or at extremely low frequency if recessive) in Genome Aggregation Database, Exome Sequencing Project, 1000 Genomes Project, or Exome Aggregation Consortium.;Multiple lines of computational evidence support a deleterious effect on the gene or gene product (conservation, evolutionary, splicing impact, etc).;Missense variant in a gene that has a low rate of benign missense variation and where missense variants are a common mechanism of disease.;The prevalence of the variant in affected individuals is significantly increased compared to the prevalence in controls.;Patient's phenotype or family history is highly specific for a disease with a single genetic etiology.;Located in a mutational hot spot and/or critical and well-established functional domain (e.g. active site of an enzyme) without benign variation.

Center for Medical Genetics Ghent, University of Ghent
Classification: Likely pathogenic for Marfan syndrome. Last evaluated: 2017-11-07. Review status: no assertion criteria provided. Collection method: clinical testing. Allele origin: germline. Affected: yes. Not counted in ClinVar's aggregate classification.

Literature cited by the submitters: PubMed 11139245 (cited by Labcorp Genetics (formerly Invitae), Labcorp and Laboratory for Molecular Medicine, Mass General Brigham Personalized Medicine); PubMed 11175294 (cited by Labcorp Genetics (formerly Invitae), Labcorp and Laboratory for Molecular Medicine, Mass General Brigham Personalized Medicine); PubMed 16905551 (cited by Labcorp Genetics (formerly Invitae), Labcorp); PubMed 19349279 (cited by Labcorp Genetics (formerly Invitae), Labcorp); PubMed 16571647 (cited by Labcorp Genetics (formerly Invitae), Labcorp); PubMed 17701892 (cited by Labcorp Genetics (formerly Invitae), Labcorp).

NM_000138.5(FBN1):c.4955G>A (p.Cys1652Tyr)

Gene: FBN1 (fibrillin 1; minus strand). Cytogenetic location: 15q21.1.
Variant type: single nucleotide variant.
Coding change: c.4955G>A on transcript NM_000138.5 (MANE Select); coding-DNA position 4955, G replaced by A.
Protein change: p.Cys1652Tyr; replaces cysteine 1652 with tyrosine.
Molecular consequence: missense variant.
Genome position (GRCh38, 1-based): chr15:48,464,009, C>T on the plus strand (G>A on the coding strand, the complement: FBN1 is on the minus strand). VCF-style: chr15-48464009-C-T. GRCh37 (hg19) VCF-style: chr15-48756206-C-T.
Other names: short protein forms C1652Y.
Identifiers: ClinVar variation 42376 (VCV000042376.15), dbSNP rs397515817, ClinGen allele CA015509.
Genomic context (GRCh38, chr15:48,464,009, plus strand): 5'-CAGGTGTAGTTGCCAACGGTGTTGTAACATGTCCCTGGACCACAGATTCCAGGAGTCTCA[C>T]ATTCATTCACATCTATAATCCAAAGAGAAAGTGGTATGTGAATATGAAAACTTCACATTT-3'
Protein context (NP_000129.3, residues 1642-1662): DTRVCDDVNE[Cys1652Tyr]ETPGICGPGT